The following is an entry in ClinVar:

ClinVar aggregate classification (germline): Pathogenic/Likely pathogenic. Review status: criteria provided, multiple submitters, no conflicts (2 of 4 stars). 5 submissions from 5 submitters: Pathogenic (1); Likely pathogenic (3). 1 of the submissions does not count toward it. Last evaluated 2024-05-22.

Conditions:
Fanconi anemia (FA). Also called: Fanconi's anemia. Identifiers: Orphanet 84, MedGen C0015625, MeSH D005199, MONDO:0019391.
Fanconi anemia complementation group A (FANCA). Also called: FANCA-Related Fanconi Anemia; Fanconi anemia, group A. Identifiers: Orphanet 84, MedGen C3469521, MONDO:0009215, OMIM 227650.
FANCA-related disorders.

Submissions (5):

Natera, Inc.
Classification: Likely pathogenic for Fanconi anemia. Last evaluated: 2024-05-22. Review status: criteria provided, single submitter. Criteria: Natera Variant Classification Schema (03/2026). Collection method: clinical testing. Allele origin: germline.
Comment: The c.4275del variant in FANCA is a frameshift variant predicted to shift the reading frame beginning at codon 1427 and leads to a stop codon 6 codons downstream. This variant may result in a truncated or dysfunctional protein product. This variant is rare in the general population with a frequency below the threshold expected for the associated phenotype(s). This variant has been observed in one or more individuals affected with the associated recessive disease, as either homozygous or compound heterozygous with a second variant (PMID: 20435624, 11091222). Given the available evidence, this variant is classified as Likely Pathogenic.

Blueprint Genetics
Classification: Likely pathogenic for FANCA-related disorders. Last evaluated: 2023-10-17. Review status: criteria provided, single submitter. Criteria: ACMG Guidelines, 2015. Collection method: clinical testing. Allele origin: germline. Affected: yes. Observed: 1 variant allele.

Baylor Genetics
Classification: Pathogenic for Fanconi anemia complementation group A. Last evaluated: 2023-07-03. Review status: criteria provided, single submitter. Criteria: ACMG Guidelines, 2015. Collection method: clinical testing. Allele origin: unknown.

Labcorp Genetics (formerly Invitae), Labcorp
Classification: Likely pathogenic for Fanconi anemia. Last evaluated: 2018-12-31. Review status: criteria provided, single submitter. Criteria: Invitae Variant Classification Sherloc (09022015). Collection method: clinical testing. Allele origin: germline.
Comment: This sequence change results in a premature translational stop signal in the FANCA gene (p.Asp1427Thrfs*6). While this is not anticipated to result in nonsense mediated decay, it is expected to disrupt the last 29 amino acids of the FANCA protein. This variant is not present in population databases (ExAC no frequency). This variant has been observed in several individuals affected with FANCA-related conditions (PMID:Â¬â€ 11091222). Experimental studies and prediction algorithms are not available for this variant, and the functional significance of the affected amino acid(s) is currently unknown. This variant disrupts the C-terminus of the FANCA protein. Other variant(s) that disrupt this region (p.Pro1430Argfs*17) have been observed in individuals with FANCA-related conditions (PMID:Â¬â€ 29098742). This suggests that this may be a clinically significant region of the protein. In summary, the currently available evidence indicates that the variant is pathogenic, but additional data are needed to prove that conclusively. Therefore, this variant has been classified as Likely Pathogenic.

Leiden Open Variation Database
Classification: Pathogenic for Fanconi anemia complementation group A. Last evaluated: 2020-02-28. Review status: no assertion criteria provided. Collection method: curation. Allele origin: germline. Affected: yes. Not counted in ClinVar's aggregate classification.
Comment: Curator: Arleen D. Auerbach. Submitter to LOVD: Arleen D. Auerbach.

Literature cited by the submitters: PubMed 20435624 (cited by Natera, Inc.); PubMed 11091222 (cited by Natera, Inc. and Leiden Open Variation Database).

NM_000135.4(FANCA):c.4275del (p.Asp1427fs)

Genes: ZNF276 (zinc finger protein 276; plus strand), FANCA (FA complementation group A; minus strand). Cytogenetic location: 16q24.3.
Variant type: Deletion.
Coding change: c.4275del on transcript NM_000135.4 (MANE Select); coding-DNA position 4275, one base deleted (T; older notation c.4275delT).
Protein change: p.Asp1427fs; shifts the reading frame from aspartic acid 1427.
Molecular consequence: frameshift variant. On other transcripts: 3 prime UTR variant (3), non-coding transcript variant (4).
Genome position (GRCh38, 1-based): chr16:89,738,694, A deleted on the plus strand (T on the coding strand, the reverse complement: FANCA is on the minus strand). VCF-style (leftmost placement, unchanged base first): chr16-89738693-CA-C. GRCh37 (hg19) VCF-style: chr16-89805101-CA-C.
Other names: c.4275del (NM_000135.3); c.4275delT, p.Asp1427Thrfs (NM_000135.2); c.*4del (NM_001286167.3); c.*448del (NM_001113525.2, NM_152287.4); short protein forms D1427fs.
Identifiers: ClinVar variation 641764 (VCV000641764.6), dbSNP rs1598048941, ClinGen allele CA915949430.